The following is an entry in ClinVar:

NM_000051.4(ATM):c.261del (p.Ala88fs)

Gene: ATM (ATM serine/threonine kinase; plus strand). Cytogenetic location: 11q22.3.
Variant type: Deletion.
Coding change: c.261del on transcript NM_000051.4 (MANE Select); coding-DNA position 261, one base deleted (A; older notation c.261delA).
Protein change: p.Ala88fs; shifts the reading frame from alanine 88.
Molecular consequence: frameshift variant.
Genome position (GRCh38, 1-based): chr11:108,229,253, A deleted; the last of 2 consecutive A bases (chr11:108,229,252-108,229,253); deleting either gives the same sequence. VCF-style (leftmost placement, unchanged base first): chr11-108229251-CA-C. GRCh37 (hg19) VCF-style: chr11-108099978-CA-C.
Other names: c.261del, p.Ala88fs (NM_001351834.2, NM_001351835.2, NM_001351836.2); short protein forms A88fs.
Identifiers: ClinVar variation 4714949 (VCV004714949.1).
Genomic context (GRCh38, chr11:108,229,251, plus strand): 5'-TATATTCAGAAAGAAACAGAATGTCTGAGAATAGCAAAACCAAATGTATCAGCCTCAACA[CA>C]AGCCTCCAGGCAGAAAAAGATGCAGGAAATCAGTAGTTTGGTCAAATACTTCATCAAATG-3'

ClinVar aggregate classification (germline): Pathogenic (1 of 4 stars; one submission).

Conditions:
Ataxia-telangiectasia syndrome (AT). Also called: AT, COMPLEMENTATION GROUP C; Ataxia-telangiectasia, complementation group D; Cerebello-oculocutaneous telangiectasia; Immunodeficiency with ataxia telangiectasia; LOUIS-BAR SYNDROME; Ataxia telangiectasia (A-T). Identifiers: Orphanet 100, MedGen C0004135, MONDO:0008840, OMIM 208900.

Submission:

Labcorp Genetics (formerly Invitae), Labcorp
Classification: Pathogenic for Ataxia-telangiectasia syndrome. Last evaluated: 2025-03-14. Review status: criteria provided, single submitter. Criteria: Invitae Variant Classification Sherloc (09022015). Collection method: clinical testing. Allele origin: germline.
Comment: This sequence change creates a premature translational stop signal (p.Ala88Profs*28) in the ATM gene. It is expected to result in an absent or disrupted protein product. Loss-of-function variants in ATM are known to be pathogenic (PMID: 23807571, 25614872). This variant is not present in population databases (gnomAD no frequency). This variant has not been reported in the literature in individuals affected with ATM-related conditions. For these reasons, this variant has been classified as Pathogenic.

Literature cited by the submitters: PubMed 23807571; PubMed 25614872.